The following is an entry in ClinVar:

ClinVar aggregate classification (germline): Pathogenic (1 of 4 stars; one submission).

Submission:

ISCA site 4
Classification: Pathogenic. Last evaluated: 2011-08-12. Review status: criteria provided, single submitter. Criteria: Kaminsky et al. (Genet Med. 2011). Collection method: clinical testing. Allele origin: unknown. Affected: yes. Observed: 1 variant allele.
Comment: Copy number variation identified through the course of routine clinical cytogenomic testing in postnatal populations. Clinical assertions have been curated as described in Kaminsky et al. 2011.

GRCh38/hg38 17q11.2(chr17:30706864-32099761)x3

Genes: LRRC37B (leucine rich repeat containing 37B; plus strand), MIR193A (microRNA 193a; plus strand), MIR365B (microRNA 365b; plus strand), MIR365BHG (MIR365B and MIR4725 host gene; plus strand), MIR4724 (microRNA 4724; plus strand) and 70 more. Cytogenetic location: 17q11.2.
Variant type: copy number gain.
Change: copy number 3 (three copies instead of two) of chr17:30,706,864-32,099,761 (1.39 Mb, GRCh38 coordinates, 1-based), cytogenetic band 17q11.2.
Identifiers: ClinVar variation 57031 (VCV000057031.1).